The following is an entry in ClinVar:

ClinVar aggregate classification (germline): Uncertain significance. Review status: criteria provided, multiple submitters, no conflicts (2 of 4 stars). 4 submissions from 4 submitters: Uncertain significance (4). Last evaluated 2026-01-22.

Conditions:
Mitochondrial complex II deficiency, nuclear type 1. Also called: SUCCINATE CoQ REDUCTASE DEFICIENCY. Identifiers: Orphanet 3208, MedGen C5700310, MONDO:0100294, OMIM 252011.
Pheochromocytoma/paraganglioma syndrome 5. Also called: Paragangliomas 5; SDHA-Related Hereditary Paraganglioma-Pheochromocytoma Syndrome. Identifiers: Orphanet 29072, MedGen C3279992, MONDO:0013602, OMIM 614165.
Hereditary cancer-predisposing syndrome. Also called: Tumor predisposition; Neoplastic Syndromes, Hereditary; Hereditary neoplastic syndrome; Hereditary Cancer Syndrome. Identifiers: Orphanet 140162, MedGen C0027672, MeSH D009386, MONDO:0015356.

Allele frequency attached by ClinVar (database versions not stated): TOPMed below 0.00001.

Submissions (4):

Labcorp Genetics (formerly Invitae), Labcorp
Classification: Uncertain significance for Pheochromocytoma/paraganglioma syndrome 5; Mitochondrial complex II deficiency, nuclear type 1. Last evaluated: 2026-01-22. Review status: criteria provided, single submitter. Criteria: Invitae Variant Classification Sherloc (09022015). Collection method: clinical testing. Allele origin: germline.
Comment: This sequence change replaces lysine, which is basic and polar, with arginine, which is basic and polar, at codon 250 of the SDHA protein (p.Lys250Arg). This variant is not present in population databases (gnomAD no frequency). This variant has not been reported in the literature in individuals affected with SDHA-related conditions. ClinVar contains an entry for this variant (Variation ID: 412325). Invitae Evidence Modeling of protein sequence and biophysical properties (such as structural, functional, and spatial information, amino acid conservation, physicochemical variation, residue mobility, and thermodynamic stability) indicates that this missense variant is not expected to disrupt SDHA protein function with a negative predictive value of 95%. In summary, the available evidence is currently insufficient to determine the role of this variant in disease. Therefore, it has been classified as a Variant of Uncertain Significance.

ARUP Laboratories, Molecular Genetics and Genomics, ARUP Laboratories
Classification: Uncertain significance. Last evaluated: 2024-04-25. Review status: criteria provided, single submitter. Criteria: ARUP Molecular Germline Variant Investigation Process 2024. Collection method: clinical testing. Allele origin: germline.
Comment: The SDHA c.749A>G; p.Lys250Arg variant (rs1060503700), to our knowledge, is not reported in the medical literature but is reported in ClinVar (Variation ID: 412325). This variant is absent from the Genome Aggregation Database (v2.1.1), indicating it is not a common polymorphism. Computational analyses predict that this variant is neutral (REVEL: 0.114). However, given the lack of clinical and functional data, the significance of this variant is uncertain at this time.

Ambry Genetics
Classification: Uncertain significance for Hereditary cancer-predisposing syndrome. Last evaluated: 2024-03-28. Review status: criteria provided, single submitter. Criteria: Ambry Variant Classification Scheme 2023. Collection method: clinical testing. Allele origin: germline.
Comment: The p.K250R variant (also known as c.749A>G), located in coding exon 6 of the SDHA gene, results from an A to G substitution at nucleotide position 749. The lysine at codon 250 is replaced by arginine, an amino acid with highly similar properties. This amino acid position is conserved. In addition, this alteration is predicted to be tolerated by in silico analysis. Since supporting evidence is limited at this time, the clinical significance of this alteration remains unclear.

GeneDx
Classification: Uncertain significance. Last evaluated: 2023-11-08. Review status: criteria provided, single submitter. Criteria: GeneDx Variant Classification Process June 2021. Collection method: clinical testing. Allele origin: germline.
Comment: Not observed at significant frequency in large population cohorts (gnomAD); In silico analysis supports that this missense variant does not alter protein structure/function; Has not been previously published as pathogenic or benign to our knowledge

NM_004168.4(SDHA):c.749A>G (p.Lys250Arg)

Gene: SDHA (succinate dehydrogenase complex flavoprotein subunit A; plus strand). Cytogenetic location: 5p15.33.
Variant type: single nucleotide variant.
Coding change: c.749A>G on transcript NM_004168.4 (MANE Select); coding-DNA position 749, A replaced by G.
Protein change: p.Lys250Arg; replaces lysine 250 with arginine.
Molecular consequence: missense variant.
Genome position (GRCh38, 1-based): chr5:228,312, A>G. VCF-style: chr5-228312-A-G. GRCh37 (hg19) VCF-style: chr5-228427-A-G.
Other names: c.605A>G, p.Lys202Arg (NM_001294332.2); c.749A>G, p.Lys250Arg (NM_001330758.2); short protein forms K250R, K202R.
Identifiers: ClinVar variation 412325 (VCV000412325.16), dbSNP rs1060503700, ClinGen allele CA16611833.